The following is an entry in ClinVar:

NM_012309.5(SHANK2):c.820G>A (p.Val274Ile)

Gene: SHANK2 (SH3 and multiple ankyrin repeat domains 2; minus strand). Cytogenetic location: 11q13.4.
Variant type: single nucleotide variant.
Coding change: c.820G>A on transcript NM_012309.5 (MANE Select); coding-DNA position 820, G replaced by A.
Protein change: p.Val274Ile; replaces valine 274 with isoleucine.
Molecular consequence: missense variant.
Genome position (GRCh38, 1-based): chr11:71,092,514, C>T on the plus strand (G>A on the coding strand, the complement: SHANK2 is on the minus strand). VCF-style: chr11-71092514-C-T. GRCh37 (hg19) VCF-style: chr11-70803560-C-T.
Other names: short protein forms V274I.
Identifiers: ClinVar variation 305907 (VCV000305907.7), dbSNP rs1555094289, ClinGen allele CA10631468.

ClinVar aggregate classification (germline): Uncertain significance (1 of 4 stars; one submission).

Allele frequency attached by ClinVar (database versions not stated): gnomAD 0.00001 and 0.00002; gnomAD exomes 0.00001 and 0.00002.
gnomAD v4.1: 31 of 1,551,532 alleles (0.002%); highest among the groups gnomAD compares: Middle Eastern, 0.017%; no homozygotes.

Submission:

Laboratorio de Genetica e Diagnostico Molecular, Hospital Israelita Albert Einstein
Classification: Uncertain significance. Last evaluated: 2019-11-08. Review status: criteria provided, single submitter. Criteria: ACMG Guidelines, 2015. Collection method: clinical testing. Allele origin: germline. Affected: yes.
Comment: ACMG classification criteria: PM2